The following is an entry in ClinVar:

ClinVar aggregate classification (germline): Uncertain significance (1 of 4 stars; one submission).

Conditions:
Long QT syndrome (LQTS). Identifiers: MedGen C0023976, MeSH D008133, MONDO:0002442. Disease mechanism: loss of function. Inheritance: Various modes of inheritance.

Submission:

Labcorp Genetics (formerly Invitae), Labcorp
Classification: Uncertain significance for Long QT syndrome. Last evaluated: 2023-09-28. Review status: criteria provided, single submitter. Criteria: Invitae Variant Classification Sherloc (09022015). Collection method: clinical testing. Allele origin: germline.
Comment: In summary, the available evidence is currently insufficient to determine the role of this variant in disease. Therefore, it has been classified as a Variant of Uncertain Significance. Advanced modeling of protein sequence and biophysical properties (such as structural, functional, and spatial information, amino acid conservation, physicochemical variation, residue mobility, and thermodynamic stability) performed at Invitae indicates that this missense variant is not expected to disrupt CACNA1C protein function. This variant has not been reported in the literature in individuals affected with CACNA1C-related conditions. This variant is not present in population databases (gnomAD no frequency). This sequence change replaces proline, which is neutral and non-polar, with threonine, which is neutral and polar, at codon 1785 of the CACNA1C protein (p.Pro1785Thr).

NM_000719.7(CACNA1C):c.5353C>A (p.Pro1785Thr)

Genes: CACNA1C (calcium voltage-gated channel subunit alpha1 C; plus strand), CACNA1C-AS1 (CACNA1C antisense RNA 1; minus strand). Cytogenetic location: 12p13.33.
Variant type: single nucleotide variant.
Coding change: c.5353C>A on transcript NM_000719.7 (MANE Select); coding-DNA position 5353, C replaced by A.
Protein change: p.Pro1785Thr; replaces proline 1785 with threonine.
Molecular consequence: missense variant.
Genome position (GRCh38, 1-based): chr12:2,679,705, C>A. VCF-style: chr12-2679705-C-A. GRCh37 (hg19) VCF-style: chr12-2788871-C-A.
Other names: c.5410C>A, p.Pro1804Thr (NM_001129833.2, NM_001129834.2, NM_001129835.2); c.5404C>A, p.Pro1802Thr (NM_001129836.2); c.5377C>A, p.Pro1793Thr (NM_001129837.2, NM_001129838.2); c.5371C>A, p.Pro1791Thr (NM_001129839.2); c.5353C>A, p.Pro1785Thr (NM_001129840.2, NM_001129841.2, NM_001129830.3 and 4 more transcripts); c.5497C>A, p.Pro1833Thr (NM_001129827.2, NM_199460.4); c.5476C>A, p.Pro1826Thr (NM_001129829.2); c.5437C>A, p.Pro1813Thr (NM_001129831.2); and 3 more; short protein forms P1782T, P1802T, P1804T, P1833T, P1785T, P1793T, P1813T, P1774T.
Identifiers: ClinVar variation 2731609 (VCV002731609.3), dbSNP rs1269164283, ClinGen allele CA383379040.
Genomic context (GRCh38, chr12:2,679,705, plus strand): 5'-GCCAACATCAACAACGCCAACAACACCGCCCTGGGTCGCCTCCCTCGCCCCGCCGGCTAC[C>A]CCAGCACGGTCAGCACTGTGGAGGGCCACGGGCCCCCCTTGTCCCCTGCCATCCGGGTGC-3'
Protein context (NP_000710.5, residues 1775-1795): LGRLPRPAGY[Pro1785Thr]STVSTVEGHG